The following is an entry in ClinVar:

ClinVar aggregate classification (germline): Pathogenic/Likely pathogenic. Review status: criteria provided, multiple submitters, no conflicts (2 of 4 stars). 3 submissions from 3 submitters: Pathogenic (1); Likely pathogenic (2). Last evaluated 2023-08-23.

Conditions:
Friedreich ataxia 1 (FRDA1). Identifiers: Orphanet 95, MedGen C1856689, MONDO:0100340, OMIM 229300.
Inborn genetic diseases. Identifiers: MedGen C0950123, MeSH D030342.

Submissions (3):

GeneDx
Classification: Pathogenic. Last evaluated: 2023-08-23. Review status: criteria provided, single submitter. Criteria: GeneDx Variant Classification Process June 2021. Collection method: clinical testing. Allele origin: germline. Affected: yes.
Comment: Frameshift variant predicted to result in protein truncation or nonsense mediated decay in a gene for which loss of function is a known mechanism of disease; Not observed at significant frequency in large population cohorts (gnomAD); This variant is associated with the following publications: (PMID: 26339677, 28789479, 15376485)

Genomic Medicine Lab, University of California San Francisco
Classification: Likely pathogenic for Friedreich ataxia 1. Last evaluated: 2023-05-01. Review status: criteria provided, single submitter. Criteria: ACMG Guidelines, 2015. Collection method: clinical testing. Allele origin: unknown. Affected: no.

Ambry Genetics
Classification: Likely pathogenic for Inborn genetic diseases. Last evaluated: 2015-12-24. Review status: criteria provided, single submitter. Criteria: Ambry Variant Classification Scheme 2023. Collection method: clinical testing. Allele origin: germline.
Comment: The c.11_12delTC variant, located in coding exon 1 of the FXN gene, results from a deletion of two nucleotides between nucleotide positions 11 and 12, causing a translational frameshift with a predicted alternate stop codon (p.L4Rfs*88). This variant was observed in two Malaysian siblings, both exhibiting features of Friedreich ataxia including nonobstructive hypertrophic cardiomyopathy. These siblings were compound heterozygotes, carrying this alteration and a repeat expansion mutation on the opposite allele. This variant was inherited from their mother, and both parents were clinically unaffected (Spacey SD, Can J Neurol Sci 2004 Aug; 31(3):383-6). This variant was also reported in another cohort of patients with Friedreich ataxia (Lazaropoulos M. Ann Clin Transl Neurol. 2015 Aug;2(8):831-42). This variant was previously reported in the SNPDatabase as rs143232208. This variant was not reported in population-based cohorts in the following databases: NHLBI Exome Sequencing Project (ESP) and 1000 Genomes Project. While truncating alterations in FXN are not a common cause of Friedreich ataxia and their functional consequences have not been well described, frameshifts are typically deleterious in nature (ACMG Standards and guidelines for the interpretation of sequence variants. Genet Med. 2015;17(5):405-24). Based on the majority of available evidence to date, this variant is likely to be pathogenic when in trans with another FXN mutation; however, expression and severity cannot be predicted.

Literature cited by the submitters: PubMed 15376485 (cited by Ambry Genetics).

NM_000144.5(FXN):c.11_12del (p.Leu4fs)

Genes: FXN (frataxin; plus strand), LOC130001862 (ATAC-STARR-seq lymphoblastoid silent region 19931; plus strand). Cytogenetic location: 9q21.11.
Variant type: Microsatellite.
Coding change: c.11_12del on transcript NM_000144.5 (MANE Select); coding-DNA positions 11 to 12, 2 bases deleted (TC; older notation c.11_12delTC).
Protein change: p.Leu4fs; shifts the reading frame from leucine 4.
Molecular consequence: frameshift variant.
Genome position (GRCh38, 1-based): chr9:69,035,793-69,035,794, TC deleted; deleting any 2 consecutive bases within chr9:69,035,790-69,035,794 gives the same sequence; the c. name uses the placement nearest the transcript's 3' end. VCF-style (leftmost placement, unchanged base first): chr9-69035789-ACT-A. GRCh37 (hg19) VCF-style: chr9-71650705-ACT-A.
Other names: c.11_12delTC (NM_000144.4, NM_000144.5); c.11_12del, p.Leu4fs (NM_181425.3); short protein forms L4fs.
Identifiers: ClinVar variation 263606 (VCV000263606.8), dbSNP rs143232208, ClinGen allele CA10587673.